The following is an entry in ClinVar:

ClinVar aggregate classification (germline): Likely pathogenic (1 of 4 stars; one submission).

Conditions:
Familial hemophagocytic lymphohistiocytosis 5. Also called: STXBP2-Related Familial Hemophagocytic Lymphohistiocytosis (STXBP2-fHLH). Identifiers: Orphanet 540, MedGen C2751293, MONDO:0013135, OMIM 613101.

Allele frequency attached by ClinVar (database versions not stated): ExAC 0.00001; gnomAD 0.00002.
gnomAD v4.1: 4 of 1,605,054 alleles (0.00025%); highest among the groups gnomAD compares: African/African-American, 0.0055%; no homozygotes.

Submission:

Labcorp Genetics (formerly Invitae), Labcorp
Classification: Likely pathogenic for Familial hemophagocytic lymphohistiocytosis 5. Last evaluated: 2025-12-17. Review status: criteria provided, single submitter. Criteria: Invitae Variant Classification Sherloc (09022015). Collection method: clinical testing. Allele origin: germline.
Comment: This sequence change affects a donor splice site in intron 13 of the STXBP2 gene. It is expected to disrupt RNA splicing. Variants that disrupt the donor or acceptor splice site typically lead to a loss of protein function (PMID: 16199547), and loss-of-function variants in STXBP2 are known to be pathogenic (PMID: 19804848, 22451424). This variant is present in population databases (rs768288230, gnomAD 0.008%). This variant has not been reported in the literature in individuals affected with STXBP2-related conditions. ClinVar contains an entry for this variant (Variation ID: 2679087). Algorithms developed to predict the effect of sequence changes on RNA splicing suggest that this variant may disrupt the consensus splice site. In summary, the currently available evidence indicates that the variant is pathogenic, but additional data are needed to prove that conclusively. Therefore, this variant has been classified as Likely Pathogenic.

Literature cited by the submitters: PubMed 16199547; PubMed 19804848; PubMed 22451424.

NM_006949.4(STXBP2):c.1107+2T>G

Gene: STXBP2 (syntaxin binding protein 2; plus strand). Cytogenetic location: 19p13.2.
Variant type: single nucleotide variant.
Coding change: c.1107+2T>G on transcript NM_006949.4 (MANE Select); the canonical splice donor site of the intron after coding-DNA position 1107, T replaced by G.
Molecular consequence: splice donor variant.
Genome position (GRCh38, 1-based): chr19:7,643,247, T>G. VCF-style: chr19-7643247-T-G. GRCh37 (hg19) VCF-style: chr19-7708133-T-G.
Other names: c.1140+2T>G (NM_001272034.2); c.1098+2T>G (NM_001127396.3); c.1011+2T>G (NM_001414484.1).
Identifiers: ClinVar variation 2679087 (VCV002679087.4), dbSNP rs768288230, ClinGen allele CA9143966.
Genomic context (GRCh38, chr19:7,643,247, plus strand): 5'-CAGATGATTGTATGAAGCACTTCAAGGGCTCGGTGGAGAAGCTGTGTAGTGTGGAGCAGG[T>G]GGGGCAGGGCTTGCGGGGGGCAGGGGTGATGGTCCTGCCAAGGCGGGGTATTGGGGAGGG-3'